The following is an entry in ClinVar:

ClinVar aggregate classification (germline): Uncertain significance. Review status: criteria provided, multiple submitters, no conflicts (2 of 4 stars). 2 submissions from 2 submitters: Uncertain significance (2). Last evaluated 2025-11-17.

Conditions:
MYH7B-related disorder. Also called: MYH7B-related condition.

Allele frequency attached by ClinVar (database versions not stated): ESP Exome Variant Server 0.00008; gnomAD exomes 0.00020 and 0.00033; gnomAD 0.00029 and 0.00030; ExAC 0.00036; TOPMed 0.00037; 1000 Genomes Project 30x 0.00078; 1000 Genomes Project 0.00080.
gnomAD v4.1: 349 of 1,614,112 alleles (0.022%); highest among the groups gnomAD compares: South Asian, 0.12%; 1 homozygote.

Submissions (2):

PreventionGenetics, part of Exact Sciences
Classification: Uncertain significance for MYH7B-related condition. Last evaluated: 2025-11-17. Review status: criteria provided, single submitter. Criteria: ACMG Guidelines, 2015. Collection method: clinical testing. Allele origin: germline.
Comment: The MYH7B c.1669G>A variant is predicted to result in the amino acid substitution p.Asp557Asn. To our knowledge, this variant has not been reported in the literature. This variant is reported in 0.15% of alleles in individuals of South Asian descent in gnomAD. Although we suspect that this variant may be benign, at this time, the clinical significance of this variant is uncertain due to the absence of conclusive functional and genetic evidence.

Labcorp Genetics (formerly Invitae), Labcorp
Classification: Uncertain significance. Last evaluated: 2025-08-18. Review status: criteria provided, single submitter. Criteria: Invitae Variant Classification Sherloc (09022015). Collection method: clinical testing. Allele origin: germline.
Comment: This sequence change replaces aspartic acid, which is acidic and polar, with asparagine, which is neutral and polar, at codon 557 of the MYH7B protein (p.Asp557Asn). This variant is present in population databases (rs200451318, gnomAD 0.1%), and has an allele count higher than expected for a pathogenic variant. This missense change has been observed in individual(s) with sensorineural deafness (PMID: 25528277). ClinVar contains an entry for this variant (Variation ID: 1401159). Invitae Evidence Modeling of protein sequence and biophysical properties (such as structural, functional, and spatial information, amino acid conservation, physicochemical variation, residue mobility, and thermodynamic stability) indicates that this missense variant is not expected to disrupt MYH7B protein function with a negative predictive value of 80%. In summary, the available evidence is currently insufficient to determine the role of this variant in disease. Therefore, it has been classified as a Variant of Uncertain Significance.

Literature cited by the submitters: PubMed 25528277 (cited by Labcorp Genetics (formerly Invitae), Labcorp).

NM_020884.7(MYH7B):c.1543G>A (p.Asp515Asn)

Gene: MYH7B (myosin heavy chain 7B; plus strand). Cytogenetic location: 20q11.22.
Variant type: single nucleotide variant.
Coding change: c.1543G>A on transcript NM_020884.7 (MANE Select); coding-DNA position 1543, G replaced by A.
Protein change: p.Asp515Asn; replaces aspartic acid 515 with asparagine.
Molecular consequence: missense variant.
Genome position (GRCh38, 1-based): chr20:34,988,218, G>A. VCF-style: chr20-34988218-G-A. GRCh37 (hg19) VCF-style: chr20-33576021-G-A.
Other names: c.1669G>A (NM_020884.4); short protein forms D515N.
Identifiers: ClinVar variation 1401159 (VCV001401159.7), dbSNP rs200451318, ClinGen allele CA9826974.